The following is an entry in ClinVar:

NM_173651.4(FSIP2):c.4977T>C (p.Asn1659=)

Genes: FSIP2 (fibrous sheath interacting protein 2; plus strand), FSIP2-AS1 (FSIP2 antisense RNA 1; minus strand). Cytogenetic location: 2q32.1.
Variant type: single nucleotide variant.
Coding change: c.4977T>C on transcript NM_173651.4 (MANE Select); coding-DNA position 4977, T replaced by C.
Protein change: p.Asn1659=; no amino-acid change (asparagine 1659 retained).
Molecular consequence: synonymous variant.
Genome position (GRCh38, 1-based): chr2:185,792,113, T>C. VCF-style: chr2-185792113-T-C. GRCh37 (hg19) VCF-style: chr2-186656840-T-C.
Identifiers: ClinVar variation 3056805 (VCV003056805.2), dbSNP rs17815052, ClinGen allele CA2016674.
Genomic context (GRCh38, chr2:185,792,113, plus strand): 5'-ATATATGCATGCAAAGAAGGTATCAAGTGCTATTTTGAAGGTTATTCAAACAGAATTAAA[T>C]GTGACCTCATCAGATTTGAAGACAAGTGTAGAAAACCCACCACCTGAGACTCAAATACTT-3'
Protein context (NP_775922.3, residues 1649-1669): AILKVIQTEL[Asn1659=]VTSSDLKTSV

ClinVar aggregate classification (germline): Benign (0 of 4 stars; one submission).

Conditions:
FSIP2-related disorder. Also called: FSIP2-related condition.

Allele frequency attached by ClinVar (database versions not stated): 1000 Genomes Project 0.13958; 1000 Genomes Project 30x 0.14194; gnomAD 0.18363; TOPMed 0.18677; ExAC 0.19477; gnomAD exomes 0.22366.
gnomAD v4.1: 336,546 of 1,533,256 alleles (22%); highest among the groups gnomAD compares: Admixed American, 24%; 39,014 homozygotes.

Submission:

PreventionGenetics, part of Exact Sciences
Classification: Benign for FSIP2-related condition. Last evaluated: 2019-10-21. Review status: no assertion criteria provided. Collection method: clinical testing. Allele origin: germline.
Comment: This variant is classified as benign based on ACMG/AMP sequence variant interpretation guidelines (Richards et al. 2015 PMID: 25741868, with internal and published modifications).